The following is an entry in ClinVar:

ClinVar aggregate classification (germline): Uncertain significance. Review status: criteria provided, multiple submitters, no conflicts (2 of 4 stars). 2 submissions from 2 submitters: Uncertain significance (2). Last evaluated 2024-05-09.

Conditions:
Inborn genetic diseases. Identifiers: MedGen C0950123, MeSH D030342.

gnomAD v4.1: 61 of 1,613,816 alleles (0.0038%); highest among the groups gnomAD compares: Admixed American, 0.033%; no homozygotes.

Submissions (2):

Mayo Clinic Laboratories, Mayo Clinic
Classification: Uncertain significance. Last evaluated: 2024-05-09. Review status: criteria provided, single submitter. Criteria: ACMG Guidelines, 2015. Collection method: clinical testing. Allele origin: germline. Observed: 1 variant allele.
Comment: BP4

Ambry Genetics
Classification: Uncertain significance for Inborn genetic diseases. Last evaluated: 2024-03-16. Review status: criteria provided, single submitter. Criteria: Ambry Variant Classification Scheme 2023. Collection method: clinical testing. Allele origin: germline.

NM_016213.5(TRIP4):c.1720T>A (p.Leu574Ile)

Gene: TRIP4 (thyroid hormone receptor interactor 4; plus strand). Cytogenetic location: 15q22.31.
Variant type: single nucleotide variant.
Coding change: c.1720T>A on transcript NM_016213.5 (MANE Select); coding-DNA position 1720, T replaced by A.
Protein change: p.Leu574Ile; replaces leucine 574 with isoleucine.
Molecular consequence: missense variant. On other transcripts: non-coding transcript variant (1).
Genome position (GRCh38, 1-based): chr15:64,455,038, T>A. VCF-style: chr15-64455038-T-A. GRCh37 (hg19) VCF-style: chr15-64747237-T-A.
Other names: p.Leu574Ile; c.1030T>A, p.Leu344Ile (NM_001321924.2); short protein forms L574I, L344I.
Identifiers: ClinVar variation 3329024 (VCV003329024.2).